The following is an entry in ClinVar:

NM_000053.4(ATP7B):c.3719_3720del (p.Phe1240fs)

Gene: ATP7B (ATPase copper transporting beta; minus strand). Cytogenetic location: 13q14.3.
Variant type: Deletion.
Coding change: c.3719_3720del on transcript NM_000053.4 (MANE Select); coding-DNA positions 3719 to 3720, 2 bases deleted (TT; older notation c.3719_3720delTT).
Protein change: p.Phe1240fs; shifts the reading frame from phenylalanine 1240.
Molecular consequence: frameshift variant. On other transcripts: intron variant (1).
Genome position (GRCh38, 1-based): chr13:51,937,659-51,937,660, AA deleted on the plus strand (TT on the coding strand, the reverse complement: ATP7B is on the minus strand); deleting any 2 consecutive bases within chr13:51,937,659-51,937,661 gives the same sequence; the c. name uses the placement nearest the transcript's 3' end. VCF-style (leftmost placement, unchanged base first): chr13-51937658-CAA-C. GRCh37 (hg19) VCF-style: chr13-52511794-CAA-C.
Other names: c.3098_3099del, p.Phe1033fs (NM_001005918.3); c.3386_3387del, p.Phe1129fs (NM_001243182.2); c.3485_3486del, p.Phe1162fs (NM_001330578.2, NM_001406527.1, NM_001406528.1); c.3467_3468del, p.Phe1156fs (NM_001330579.2, NM_001406531.1, NM_001406532.1); c.3719_3720del, p.Phe1240fs (NM_001406511.1, NM_001406512.1); c.3713_3714del, p.Phe1238fs (NM_001406513.1); c.3686_3687del, p.Phe1229fs (NM_001406514.1); c.3665_3666del, p.Phe1222fs (NM_001406515.1, NM_001406516.1); and 21 more; short protein forms F1013fs, F1129fs, F1238fs, F1240fs, F1076fs, F1091fs, F1127fs, F1162fs.
Identifiers: ClinVar variation 4735680 (VCV004735680.1).
Genomic context (GRCh38, chr13:51,937,658, plus strand): 5'-TCTTCCCTTTATTCTGGAGCTCCTGGACCTTGGCCACCTTGTGCGAAGGCAGCACCTCTG[CAA>C]AGACTTTGTTGATGCCAACCTAAGACAAAAGGAAGGCAATGCCTAGTGTTGGCAAAAGGT-3'

ClinVar aggregate classification (germline): Pathogenic (1 of 4 stars; one submission).

Conditions:
Wilson disease (WND). Also called: Wilson's disease. Identifiers: Orphanet 905, MedGen C0019202, MONDO:0010200, OMIM 277900. Disease mechanism: loss of function.

Submission:

Labcorp Genetics (formerly Invitae), Labcorp
Classification: Pathogenic for Wilson disease. Last evaluated: 2026-01-19. Review status: criteria provided, single submitter. Criteria: Invitae Variant Classification Sherloc (09022015). Collection method: clinical testing. Allele origin: germline.
Comment: This sequence change creates a premature translational stop signal (p.Phe1240Cysfs*18) in the ATP7B gene. It is expected to result in an absent or disrupted protein product. Loss-of-function variants in ATP7B are known to be pathogenic (PMID: 10441329, 16283883). This variant is not present in population databases (gnomAD no frequency). This variant has not been reported in the literature in individuals affected with ATP7B-related conditions. For these reasons, this variant has been classified as Pathogenic.

Literature cited by the submitters: PubMed 10441329; PubMed 16283883.